The following is an entry in ClinVar:

ClinVar aggregate classification (germline): Uncertain significance (1 of 4 stars; one submission).

Conditions:
CEP290-related ciliopathy. Also called: CEP290 ciliopathy. Identifiers: MedGen CN305601, MONDO:0100451.

Submission:

Myriad Genetics, Inc.
Classification: Uncertain significance for CEP290-related ciliopathy. Last evaluated: 2026-09-04. Review status: criteria provided, single submitter. Criteria: Myriad Autosomal Dominant, Autosomal Recessive and X-Linked Classification Criteria (2023). Collection method: clinical testing. Allele origin: unknown.
Comment: NM_025114.3(CEP290):c.1946_1948delAAG(E649del) is an in-frame deletion classified as a variant of uncertain significance in the context of CEP290-related disorders. E649del has not been observed in cases with relevant disease. Relevant functional assessments of this variant are not available in the literature. E649del has not been observed in referenced population frequency databases. In summary, there is insufficient evidence to classify NM_025114.3(CEP290):c.1946_1948delAAG(E649del) as pathogenic or benign. Please note: this variant was assessed in the context of healthy population screening.

NM_025114.4(CEP290):c.1943AAG[1] (p.Glu649del)

Gene: CEP290 (centrosomal protein 290; minus strand). Cytogenetic location: 12q21.32.
Variant type: Microsatellite.
Coding change: c.1943AAG[1] on transcript NM_025114.4 (MANE Select); one copy of the 3-base unit AAG starting at c.1943; the reference has two copies in a row; one copy, 3 bases deleted.
Protein change: p.Glu649del; deletes glutamic acid 649.
Molecular consequence: inframe deletion.
Genome position (GRCh38, 1-based): chr12:88,114,524-88,114,526, CTT deleted on the plus strand (AAG on the coding strand, the reverse complement: CEP290 is on the minus strand); deleting any 3 consecutive bases within chr12:88,114,524-88,114,530 gives the same sequence; the position shown is the placement nearest the transcript's 3' end. VCF-style (leftmost placement, unchanged base first): chr12-88114523-CCTT-C. GRCh37 (hg19) VCF-style: chr12-88508300-CCTT-C.
Other names: short protein forms E649del.
Identifiers: ClinVar variation 5004890 (VCV005004890.1).